The following is an entry in ClinVar:

ClinVar aggregate classification (germline): Uncertain significance (1 of 4 stars; one submission).

Submission:

Women's Health and Genetics/Laboratory Corporation of America, LabCorp
Classification: Uncertain significance. Last evaluated: 2026-04-01. Review status: criteria provided, single submitter. Criteria: LabCorp Variant Classification Summary - May 2015. Collection method: clinical testing. Allele origin: germline.
Comment: Variant summary: ZNF469 c.1811C>A (p.Thr604Asn) results in a non-conservative amino acid change in the encoded protein sequence. Algorithms developed to predict the effect of missense changes on protein structure and function are either unavailable or do not agree on the potential impact of this missense change. The variant was absent in 146392 control chromosomes. The available data on variant occurrences in the general population are insufficient to allow any conclusion about variant significance. To our knowledge, no occurrence of c.1811C>A in individuals affected with ZNF469-related conditions and no experimental evidence demonstrating its impact on protein function have been reported. No submitters have cited clinical-significance assessments for this variant to ClinVar. Based on the evidence outlined above, the variant was classified as uncertain significance.

NM_001367624.2(ZNF469):c.1811C>A (p.Thr604Asn)

Gene: ZNF469 (zinc finger protein 469; plus strand). Cytogenetic location: 16q24.2.
Variant type: single nucleotide variant.
Coding change: c.1811C>A on transcript NM_001367624.2 (MANE Select); coding-DNA position 1811, C replaced by A.
Protein change: p.Thr604Asn; replaces threonine 604 with asparagine.
Molecular consequence: missense variant.
Genome position (GRCh38, 1-based): chr16:88,429,281, C>A. VCF-style: chr16-88429281-C-A. GRCh37 (hg19) VCF-style: chr16-88495689-C-A.
Other names: short protein forms T604N.
Identifiers: ClinVar variation 4848988 (VCV004848988.1).